The following is an entry in ClinVar:

NM_000229.2(LCAT):c.8C>T (p.Pro3Leu)

Genes: LCAT (lecithin-cholesterol acyltransferase; minus strand), SLC12A4 (solute carrier family 12 member 4; minus strand). Cytogenetic location: 16q22.1.
Variant type: single nucleotide variant.
Coding change: c.8C>T on transcript NM_000229.2 (MANE Select); coding-DNA position 8, C replaced by T.
Protein change: p.Pro3Leu; replaces proline 3 with leucine.
Molecular consequence: missense variant. On other transcripts: 3 prime UTR variant (5).
Genome position (GRCh38, 1-based): chr16:67,944,094, G>A on the plus strand (C>T on the coding strand, the complement: LCAT is on the minus strand). VCF-style: chr16-67944094-G-A. GRCh37 (hg19) VCF-style: chr16-67977997-G-A.
Other names: c.*746C>T (NM_001145961.2, NM_001145962.1, NM_001145963.2 and 2 more transcripts); short protein forms P3L.
Identifiers: ClinVar variation 1765423 (VCV001765423.5), dbSNP rs753021814, ClinGen allele CA8121182.

ClinVar aggregate classification (germline): Conflicting classifications of pathogenicity. Review status: criteria provided, conflicting classifications (1 of 4 stars). 2 submissions from 2 submitters: Uncertain significance (1); Likely benign (1). Last evaluated 2022-05-22.

Conditions:
Cardiovascular phenotype. Identifiers: MedGen CN230736.

Allele frequency attached by ClinVar (database versions not stated): gnomAD 0.00002; ExAC 0.00018.
gnomAD v4.1: 33 of 1,547,574 alleles (0.0021%); highest among the groups gnomAD compares: South Asian, 0.024%; no homozygotes.

Submissions (2):

Labcorp Genetics (formerly Invitae), Labcorp
Classification: Uncertain significance. Last evaluated: 2022-05-22. Review status: criteria provided, single submitter. Criteria: Invitae Variant Classification Sherloc (09022015). Collection method: clinical testing. Allele origin: germline.
Comment: In summary, the available evidence is currently insufficient to determine the role of this variant in disease. Therefore, it has been classified as a Variant of Uncertain Significance. Algorithms developed to predict the effect of missense changes on protein structure and function output the following: SIFT: "Tolerated"; PolyPhen-2: "Benign"; Align-GVGD: "Class C0". The leucine amino acid residue is found in multiple mammalian species, which suggests that this missense change does not adversely affect protein function. This variant has not been reported in the literature in individuals affected with LCAT-related conditions. This variant is present in population databases (rs753021814, gnomAD 0.04%). This sequence change replaces proline, which is neutral and non-polar, with leucine, which is neutral and non-polar, at codon 3 of the LCAT protein (p.Pro3Leu).

Ambry Genetics
Classification: Likely benign for Cardiovascular phenotype. Last evaluated: 2021-11-24. Review status: criteria provided, single submitter. Criteria: Ambry Variant Classification Scheme 2023. Collection method: clinical testing. Allele origin: germline.